The following is an entry in ClinVar:

NM_033026.6(PCLO):c.12247A>G (p.Thr4083Ala)

Gene: PCLO (piccolo presynaptic cytomatrix protein; minus strand). Cytogenetic location: 7q21.11.
Variant type: single nucleotide variant.
Coding change: c.12247A>G on transcript NM_033026.6 (MANE Select); coding-DNA position 12247, A replaced by G.
Protein change: p.Thr4083Ala; replaces threonine 4083 with alanine.
Molecular consequence: missense variant.
Genome position (GRCh38, 1-based): chr7:82,915,739, T>C on the plus strand (A>G on the coding strand, the complement: PCLO is on the minus strand). VCF-style: chr7-82915739-T-C. GRCh37 (hg19) VCF-style: chr7-82545055-T-C.
Other names: c.12247A>G (NM_033026.5); c.12247A>G, p.Thr4083Ala (NM_014510.3); short protein forms T4083A.
Identifiers: ClinVar variation 2167052 (VCV002167052.6), dbSNP rs375666194, ClinGen allele CA4319411.

ClinVar aggregate classification (germline): Uncertain significance. Review status: criteria provided, multiple submitters, no conflicts (2 of 4 stars). 2 submissions from 2 submitters: Uncertain significance (2). Last evaluated 2023-12-11.

Conditions:
Inborn genetic diseases. Identifiers: MedGen C0950123, MeSH D030342.

Allele frequency attached by ClinVar (database versions not stated): gnomAD exomes below 0.00001; TOPMed below 0.00001; ExAC 0.00001.

Submissions (2):

Labcorp Genetics (formerly Invitae), Labcorp
Classification: Uncertain significance. Last evaluated: 2023-12-11. Review status: criteria provided, single submitter. Criteria: Invitae Variant Classification Sherloc (09022015). Collection method: clinical testing. Allele origin: germline.
Comment: This sequence change replaces threonine, which is neutral and polar, with alanine, which is neutral and non-polar, at codon 4083 of the PCLO protein (p.Thr4083Ala). This variant is present in population databases (rs375666194, gnomAD 0.006%). This variant has not been reported in the literature in individuals affected with PCLO-related conditions. ClinVar contains an entry for this variant (Variation ID: 2167052). Experimental studies and prediction algorithms are not available or were not evaluated, and the functional significance of this variant is currently unknown. In summary, the available evidence is currently insufficient to determine the role of this variant in disease. Therefore, it has been classified as a Variant of Uncertain Significance.

Ambry Genetics
Classification: Uncertain significance for Inborn genetic diseases. Last evaluated: 2023-07-14. Review status: criteria provided, single submitter. Criteria: Ambry Variant Classification Scheme 2023. Collection method: clinical testing. Allele origin: germline.